The following is an entry in ClinVar:

ClinVar aggregate classification (germline): Uncertain significance (1 of 4 stars; one submission).

gnomAD v4.1: 1 of 1,614,146 alleles (0.000062%); highest among the groups gnomAD compares: South Asian, 0.0011%; no homozygotes.

Submission:

Labcorp Genetics (formerly Invitae), Labcorp
Classification: Uncertain significance. Last evaluated: 2024-04-22. Review status: criteria provided, single submitter. Criteria: Invitae Variant Classification Sherloc (09022015). Collection method: clinical testing. Allele origin: germline.
Comment: This sequence change replaces aspartic acid, which is acidic and polar, with tyrosine, which is neutral and polar, at codon 325 of the ABCC8 protein (p.Asp325Tyr). This variant is not present in population databases (gnomAD no frequency). This variant has not been reported in the literature in individuals affected with ABCC8-related conditions. Advanced modeling of protein sequence and biophysical properties (such as structural, functional, and spatial information, amino acid conservation, physicochemical variation, residue mobility, and thermodynamic stability) has been performed at Invitae for this missense variant, however the output from this modeling did not meet the statistical confidence thresholds required to predict the impact of this variant on ABCC8 protein function. In summary, the available evidence is currently insufficient to determine the role of this variant in disease. Therefore, it has been classified as a Variant of Uncertain Significance.

NM_000352.6(ABCC8):c.973G>T (p.Asp325Tyr)

Gene: ABCC8 (ATP binding cassette subfamily C member 8; minus strand). Cytogenetic location: 11p15.1.
Variant type: single nucleotide variant.
Coding change: c.973G>T on transcript NM_000352.6 (MANE Select); coding-DNA position 973, G replaced by T.
Protein change: p.Asp325Tyr; replaces aspartic acid 325 with tyrosine.
Molecular consequence: missense variant. On other transcripts: non-coding transcript variant (1).
Genome position (GRCh38, 1-based): chr11:17,460,526, C>A on the plus strand (G>T on the coding strand, the complement: ABCC8 is on the minus strand). VCF-style: chr11-17460526-C-A. GRCh37 (hg19) VCF-style: chr11-17482073-C-A.
Other names: c.973G>T, p.Asp325Tyr (NM_001287174.3, NM_001351295.2); c.970G>T, p.Asp324Tyr (NM_001351296.2, NM_001351297.2); short protein forms D325Y, D324Y.
Identifiers: ClinVar variation 3634163 (VCV003634163.2).